The following is an entry in ClinVar:

NM_001254.4(CDC6):c.71A>G (p.Asn24Ser)

Gene: CDC6 (cell division cycle 6; plus strand). Cytogenetic location: 17q21.2.
Variant type: single nucleotide variant.
Coding change: c.71A>G on transcript NM_001254.4 (MANE Select); coding-DNA position 71, A replaced by G.
Protein change: p.Asn24Ser; replaces asparagine 24 with serine.
Molecular consequence: missense variant.
Genome position (GRCh38, 1-based): chr17:40,289,491, A>G. VCF-style: chr17-40289491-A-G. GRCh37 (hg19) VCF-style: chr17-38445743-A-G.
Other names: short protein forms N24S.
Identifiers: ClinVar variation 1054636 (VCV001054636.9), dbSNP rs2143066984, ClinGen allele CA399324909.

ClinVar aggregate classification (germline): Uncertain significance (1 of 4 stars; one submission).

Submission:

Labcorp Genetics (formerly Invitae), Labcorp
Classification: Uncertain significance. Last evaluated: 2020-06-22. Review status: criteria provided, single submitter. Criteria: Invitae Variant Classification Sherloc (09022015). Collection method: clinical testing. Allele origin: germline.
Comment: In summary, the available evidence is currently insufficient to determine the role of this variant in disease. Therefore, it has been classified as a Variant of Uncertain Significance. Algorithms developed to predict the effect of missense changes on protein structure and function output the following: SIFT: "Tolerated"; PolyPhen-2: "Benign"; Align-GVGD: "Class C0". The serine amino acid residue is found in multiple mammalian species, suggesting that this missense change does not adversely affect protein function. These predictions have not been confirmed by published functional studies and their clinical significance is uncertain. This variant has not been reported in the literature in individuals with CDC6-related conditions. This variant is not present in population databases (ExAC no frequency). This sequence change replaces asparagine with serine at codon 24 of the CDC6 protein (p.Asn24Ser). The asparagine residue is weakly conserved and there is a small physicochemical difference between asparagine and serine.